The following is an entry in ClinVar:

ClinVar aggregate classification (germline): Uncertain significance (1 of 4 stars; one submission).

Conditions:
Hereditary cancer-predisposing syndrome. Also called: Neoplastic Syndromes, Hereditary; Tumor predisposition; Hereditary Cancer Syndrome; Hereditary neoplastic syndrome. Identifiers: Orphanet 140162, MedGen C0027672, MeSH D009386, MONDO:0015356.

Submission:

Ambry Genetics
Classification: Uncertain significance for Hereditary cancer-predisposing syndrome. Last evaluated: 2025-10-02. Review status: criteria provided, single submitter. Criteria: Ambry Variant Classification Scheme 2023. Collection method: clinical testing. Allele origin: germline.
Comment: The p.G972V variant (also known as c.2915G>T), located in coding exon 9 of the BRCA1 gene, results from a G to T substitution at nucleotide position 2915. The glycine at codon 972 is replaced by valine, an amino acid with dissimilar properties. This amino acid position is conserved. In addition, the in silico prediction for this alteration is inconclusive. Based on the available evidence, the clinical significance of this variant remains unclear.

NM_007294.4(BRCA1):c.2915G>T (p.Gly972Val)

Gene: BRCA1 (BRCA1 DNA repair associated; minus strand). Cytogenetic location: 17q21.31.
Variant type: single nucleotide variant.
Coding change: c.2915G>T on transcript NM_007294.4 (MANE Select); coding-DNA position 2915, G replaced by T.
Protein change: p.Gly972Val; replaces glycine 972 with valine.
Molecular consequence: missense variant. On other transcripts: intron variant (137).
Genome position (GRCh38, 1-based): chr17:43,092,616, C>A on the plus strand (G>T on the coding strand, the complement: BRCA1 is on the minus strand). VCF-style: chr17-43092616-C-A. GRCh37 (hg19) VCF-style: chr17-41244633-C-A.
Other names: c.578-1584G>T (NM_001408514.1, NM_001408485.1, NM_001408483.1 and 9 more transcripts); c.662-1584G>T (NM_001408447.1, NM_001408433.1, NM_001408446.1 and 6 more transcripts); c.785-1584G>T (NM_001408400.1, NM_001408392.1, NM_001407986.1 and 13 more transcripts); c.665-1584G>T (NM_001408441.1, NM_001408437.1, NM_001408429.1 and 12 more transcripts); c.788-1584G>T (NM_001407979.1, NM_001407977.1, NM_001407982.1 and 17 more transcripts); c.647-1584G>T (NM_001408410.1, NM_001408458.1, NM_001408469.1 and 11 more transcripts); c.710-1584G>T (NM_001408415.1, NM_001408412.1, NM_001408409.1 and 2 more transcripts); c.2702G>T, p.Gly901Val (NM_001407571.1, NM_001407853.1, NM_001407894.1 and 9 more transcripts); and 41 more; short protein forms G804V, G844V, G861V, G901V, G925V, G946V, G971V, G676V.
Identifiers: ClinVar variation 4625118 (VCV004625118.1).